The following is an entry in ClinVar:

NM_012232.6(CAVIN1):c.*1446G>C

Gene: CAVIN1 (caveolae associated protein 1; minus strand). Cytogenetic location: 17q21.2.
Variant type: single nucleotide variant.
Coding change: c.*1446G>C on transcript NM_012232.6 (MANE Select); 1446 bases downstream of the stop codon, G replaced by C.
Molecular consequence: 3 prime UTR variant.
Genome position (GRCh38, 1-based): chr17:42,403,241, C>G on the plus strand (G>C on the coding strand, the complement: CAVIN1 is on the minus strand). VCF-style: chr17-42403241-C-G. GRCh37 (hg19) VCF-style: chr17-40555259-C-G.
Identifiers: ClinVar variation 323263 (VCV000323263.6), dbSNP rs4796583, ClinGen allele CA10639675.

ClinVar aggregate classification (germline): Likely benign. Review status: criteria provided, multiple submitters, no conflicts (2 of 4 stars). 2 submissions from 2 submitters: Likely benign (2). Last evaluated 2017-04-27.

Conditions:
Congenital generalized lipodystrophy type 4. Also called: BERARDINELLI-SEIP CONGENITAL LIPODYSTROPHY, TYPE 4, WITH MUSCULAR DYSTROPHY. Identifiers: Orphanet 228429, MedGen C2750069, MONDO:0013225, OMIM 613327.

Allele frequency attached by ClinVar (database versions not stated): 1000 Genomes Project 0.02476; 1000 Genomes Project 30x 0.02639; gnomAD 0.04387 and 0.04533; TOPMed 0.04786; gnomAD exomes 0.07516.

Submissions (2):

Illumina Laboratory Services, Illumina
Classification: Likely benign for Congenital generalized lipodystrophy type 4. Last evaluated: 2017-04-27. Review status: criteria provided, single submitter. Criteria: ICSL Variant Classification Criteria 13 December 2019. Collection method: clinical testing. Allele origin: germline.
Comment: This variant was observed as part of a predisposition screen in an ostensibly healthy population. A literature search was performed for the gene, cDNA change, and amino acid change (where applicable). No publications were found based on this search. Allele frequency data from public databases allowed determination this variant is unlikely to cause disease. Therefore, this variant is classified as likely benign.

Breakthrough Genomics
Classification: Likely benign. Review status: criteria provided, single submitter. Criteria: ACMG Guidelines, 2015. Collection method: not provided. Allele origin: germline. Inheritance: Autosomal recessive inheritance. Affected: yes.